The following is an entry in ClinVar:

NM_000814.6(GABRB3):c.8del (p.Gly3fs)

Gene: GABRB3 (gamma-aminobutyric acid type A receptor subunit beta3; minus strand). Cytogenetic location: 15q12.
Variant type: Deletion.
Coding change: c.8del on transcript NM_000814.6 (MANE Select); coding-DNA position 8, one base deleted (G; older notation c.8delG).
Protein change: p.Gly3fs; shifts the reading frame from glycine 3.
Molecular consequence: frameshift variant. On other transcripts: 5 prime UTR variant (1), intron variant (1).
Genome position (GRCh38, 1-based): chr15:26,772,955, C deleted on the plus strand (G on the coding strand, the reverse complement: GABRB3 is on the minus strand); the first of 4 consecutive C bases (chr15:26,772,955-26,772,958); deleting any one gives the same sequence. VCF-style (leftmost placement, unchanged base first): chr15-26772954-GC-G. GRCh37 (hg19) VCF-style: chr15-27018101-GC-G.
Other names: c.-344del (NM_001278631.2); c.81-183del (NM_021912.5); short protein forms G3fs.
Identifiers: ClinVar variation 983110 (VCV000983110.1), dbSNP rs1891196700, ClinGen allele CA1139663793.

ClinVar aggregate classification (germline): Uncertain significance (1 of 4 stars; one submission).

Conditions:
Developmental and epileptic encephalopathy, 43 (DEE43). Also called: Epileptic encephalopathy, early infantile, 43. Identifiers: MedGen C4310712, MONDO:0014921, OMIM 617113.

Submission:

Institute of Human Genetics, University of Leipzig Medical Center
Classification: Uncertain significance for Developmental and epileptic encephalopathy, 43. Last evaluated: 2019-01-01. Review status: criteria provided, single submitter. Criteria: ACMG Guidelines, 2015. Collection method: clinical testing. Allele origin: unknown. Affected: yes.
Comment: This variant was identified as compound heterozygous.